The following is an entry in ClinVar:

NM_020297.4(ABCC9):c.2723A>G (p.Glu908Gly)

Gene: ABCC9 (ATP binding cassette subfamily C member 9; minus strand). Cytogenetic location: 12p12.1.
Variant type: single nucleotide variant.
Coding change: c.2723A>G on transcript NM_020297.4 (MANE Select); coding-DNA position 2723, A replaced by G.
Protein change: p.Glu908Gly; replaces glutamic acid 908 with glycine.
Molecular consequence: missense variant.
Genome position (GRCh38, 1-based): chr12:21,852,143, T>C on the plus strand (A>G on the coding strand, the complement: ABCC9 is on the minus strand). VCF-style: chr12-21852143-T-C. GRCh37 (hg19) VCF-style: chr12-22005077-T-C.
Other names: c.2723A>G, p.Glu908Gly (NM_001377273.1, NM_005691.4); c.1856A>G, p.Glu619Gly (NM_001377274.1); short protein forms E619G, E908G.
Identifiers: ClinVar variation 1795211 (VCV001795211.2), dbSNP rs2541134077, ClinGen allele CA384123714.

ClinVar aggregate classification (germline): Uncertain significance (1 of 4 stars; one submission).

Conditions:
Cardiovascular phenotype. Identifiers: MedGen CN230736.

Allele frequency attached by ClinVar (database versions not stated): gnomAD exomes below 0.00001.
gnomAD v4.1: 1 of 1,613,798 alleles (0.000062%); highest among the groups gnomAD compares: East Asian, 0.0022%; no homozygotes.

Submission:

Ambry Genetics
Classification: Uncertain significance for Cardiovascular phenotype. Last evaluated: 2021-07-19. Review status: criteria provided, single submitter. Criteria: Ambry Variant Classification Scheme 2023. Collection method: clinical testing. Allele origin: germline.
Comment: The p.E908G variant (also known as c.2723A>G), located in coding exon 22 of the ABCC9 gene, results from an A to G substitution at nucleotide position 2723. The glutamic acid at codon 908 is replaced by glycine, an amino acid with similar properties. This amino acid position is well conserved in available vertebrate species. In addition, the in silico prediction for this alteration is inconclusive. Since supporting evidence is limited at this time, the clinical significance of this alteration remains unclear.